The following is an entry in ClinVar:

ClinVar aggregate classification (germline): Uncertain significance (1 of 4 stars; one submission).

gnomAD v4.1: 2 of 1,550,964 alleles (0.00013%); highest among the groups gnomAD compares: Non-Finnish European, 0.00017%; no homozygotes.

Submission:

GeneDx
Classification: Uncertain significance. Last evaluated: 2026-02-27. Review status: criteria provided, single submitter. Criteria: GeneDx Variant Classification Process June 2021. Collection method: clinical testing. Allele origin: germline.
Comment: Not observed at significant frequency in large population cohorts (gnomAD); In silico analysis supports a deleterious effect on splicing; Has not been previously published as pathogenic or benign to our knowledge

NM_001367871.1(FBRSL1):c.1835-3C>G

Gene: FBRSL1 (fibrosin like 1; plus strand). Cytogenetic location: 12q24.33.
Variant type: single nucleotide variant.
Coding change: c.1835-3C>G on transcript NM_001367871.1 (MANE Select); 3 bases into the intron before coding-DNA position 1835, C replaced by G.
Molecular consequence: intron variant.
Genome position (GRCh38, 1-based): chr12:132,581,436, C>G. VCF-style: chr12-132581436-C-G. GRCh37 (hg19) VCF-style: chr12-133158022-C-G.
Other names: c.1889-3C>G (NM_001382739.1); c.1964-3C>G (NM_001142641.2); c.1214-3C>G (NM_001382740.1).
Identifiers: ClinVar variation 5010004 (VCV005010004.1).